The following is an entry in ClinVar:

NM_001018113.3(FANCB):c.1787C>A (p.Thr596Asn)

Gene: FANCB (FA complementation group B; minus strand). Cytogenetic location: Xp22.2.
Variant type: single nucleotide variant.
Coding change: c.1787C>A on transcript NM_001018113.3 (MANE Select); coding-DNA position 1787, C replaced by A.
Protein change: p.Thr596Asn; replaces threonine 596 with asparagine.
Molecular consequence: missense variant.
Genome position (GRCh38, 1-based): chrX:14,844,996, G>T on the plus strand (C>A on the coding strand, the complement: FANCB is on the minus strand). VCF-style: chrX-14844996-G-T. GRCh37 (hg19) VCF-style: chrX-14863118-G-T.
Other names: c.1787C>A, p.Thr596Asn (NM_001324162.2, NM_001410764.1, NM_152633.4); short protein forms T596N.
Identifiers: ClinVar variation 2811337 (VCV002811337.3), dbSNP rs2518952988, ClinGen allele CA412439625.

ClinVar aggregate classification (germline): Uncertain significance (1 of 4 stars; one submission).

Conditions:
Fanconi anemia (FA). Also called: Fanconi's anemia. Identifiers: Orphanet 84, MedGen C0015625, MeSH D005199, MONDO:0019391.

Submission:

Labcorp Genetics (formerly Invitae), Labcorp
Classification: Uncertain significance for Fanconi anemia. Last evaluated: 2022-11-01. Review status: criteria provided, single submitter. Criteria: Invitae Variant Classification Sherloc (09022015). Collection method: clinical testing. Allele origin: germline.
Comment: In summary, the available evidence is currently insufficient to determine the role of this variant in disease. Therefore, it has been classified as a Variant of Uncertain Significance. Advanced modeling of protein sequence and biophysical properties (such as structural, functional, and spatial information, amino acid conservation, physicochemical variation, residue mobility, and thermodynamic stability) performed at Invitae indicates that this missense variant is not expected to disrupt FANCB protein function. This variant has not been reported in the literature in individuals affected with FANCB-related conditions. This variant is not present in population databases (gnomAD no frequency). This sequence change replaces threonine, which is neutral and polar, with asparagine, which is neutral and polar, at codon 596 of the FANCB protein (p.Thr596Asn).